The following is an entry in ClinVar:

NM_001166108.2(PALLD):c.*77C>T

Genes: CBR4 (carbonyl reductase 4; minus strand), PALLD (palladin, cytoskeletal associated protein; plus strand). Cytogenetic location: 4q32.3.
Variant type: single nucleotide variant.
Coding change: c.*77C>T on transcript NM_001166108.2 (MANE Select); 77 bases downstream of the stop codon, C replaced by T.
Molecular consequence: 3 prime UTR variant. On other transcripts: missense variant (4).
Genome position (GRCh38, 1-based): chr4:168,926,257, C>T. VCF-style: chr4-168926257-C-T. GRCh37 (hg19) VCF-style: chr4-169847408-C-T.
Other names: c.2206C>T, p.Arg736Trp (NM_001166109.2); c.1891C>T, p.Arg631Trp (NM_001166110.2); c.*77C>T (NM_001367567.1, NM_001367570.1, NM_016081.4); c.1282C>T, p.Arg428Trp (NM_001367568.1); c.1231C>T, p.Arg411Trp (NM_001367569.1); short protein forms R631W, R736W, R411W, R428W.
Identifiers: ClinVar variation 410613 (VCV000410613.8), dbSNP rs1060502976, ClinGen allele CA16611430.
Genomic context (GRCh38, chr4:168,926,257, plus strand): 5'-CTCTTTTTCTTTGTAGCCCAGTGGCATCAGCAGTCACAGAGCACCAAGCCAAAAAAAGTA[C>T]GGCCCTCAGCCAGTCGCTATGCAGCACTTTCGGACCAGGGACTAGACATCAAAGCAGCGT-3'

ClinVar aggregate classification (germline): Uncertain significance (1 of 4 stars; one submission).

Conditions:
Pancreatic adenocarcinoma. Identifiers: MedGen C0281361, MONDO:0006047, HP:0006725.

Allele frequency attached by ClinVar (database versions not stated): gnomAD exomes 0.00001; TOPMed 0.00001.
gnomAD v4.1: 18 of 1,536,250 alleles (0.0012%); highest among the groups gnomAD compares: South Asian, 0.0036%; no homozygotes.

Submission:

Labcorp Genetics (formerly Invitae), Labcorp
Classification: Uncertain significance for Pancreatic adenocarcinoma. Last evaluated: 2025-10-13. Review status: criteria provided, single submitter. Criteria: Invitae Variant Classification Sherloc (09022015). Collection method: clinical testing. Allele origin: germline.
Comment: This sequence change replaces arginine, which is basic and polar, with tryptophan, which is neutral and slightly polar, at codon 631 of the PALLD protein (p.Arg631Trp). This variant is present in population databases (no rsID available, gnomAD 0.004%). This variant has not been reported in the literature in individuals affected with PALLD-related conditions. ClinVar contains an entry for this variant (Variation ID: 410613). An algorithm developed to predict the effect of missense changes on protein structure and function (PolyPhen-2) suggests that this variant is likely to be tolerated. In summary, the available evidence is currently insufficient to determine the role of this variant in disease. Therefore, it has been classified as a Variant of Uncertain Significance.